The following is an entry in ClinVar:

ClinVar aggregate classification (germline): Uncertain significance (1 of 4 stars; one submission).

Submission:

Labcorp Genetics (formerly Invitae), Labcorp
Classification: Uncertain significance. Last evaluated: 2023-04-11. Review status: criteria provided, single submitter. Criteria: Invitae Variant Classification Sherloc (09022015). Collection method: clinical testing. Allele origin: germline.
Comment: This variant is not present in population databases (gnomAD no frequency). This sequence change replaces leucine, which is neutral and non-polar, with isoleucine, which is neutral and non-polar, at codon 651 of the KIF20A protein (p.Leu651Ile). This variant has not been reported in the literature in individuals affected with KIF20A-related conditions. In summary, the available evidence is currently insufficient to determine the role of this variant in disease. Therefore, it has been classified as a Variant of Uncertain Significance. An algorithm developed to predict the effect of missense changes on protein structure and function (PolyPhen-2) suggests that this variant is likely to be disruptive.

NM_005733.3(KIF20A):c.1951C>A (p.Leu651Ile)

Gene: KIF20A (kinesin family member 20A; plus strand). Cytogenetic location: 5q31.2.
Variant type: single nucleotide variant.
Coding change: c.1951C>A on transcript NM_005733.3 (MANE Select); coding-DNA position 1951, C replaced by A.
Protein change: p.Leu651Ile; replaces leucine 651 with isoleucine.
Molecular consequence: missense variant.
Genome position (GRCh38, 1-based): chr5:138,185,536, C>A. VCF-style: chr5-138185536-C-A. GRCh37 (hg19) VCF-style: chr5-137521225-C-A.
Other names: short protein forms L651I.
Identifiers: ClinVar variation 2855069 (VCV002855069.3), dbSNP rs2482188834, ClinGen allele CA361117820.